The following is an entry in ClinVar:

ClinVar aggregate classification (germline): Benign. Review status: criteria provided, multiple submitters, no conflicts (2 of 4 stars). 2 submissions from 2 submitters: Benign (2). Last evaluated 2018-01-13.

Conditions:
Galactosylceramide beta-galactosidase deficiency. Also called: GALACTOCEREBROSIDASE DEFICIENCY; GALC DEFICIENCY; GLOBOID CELL LEUKOENCEPHALOPATHY; Leukodystrophy, Globoid Cell; Krabbe Disease. Identifiers: Orphanet 487, MedGen C0023521, MONDO:0009499, OMIM 245200.

Allele frequency attached by ClinVar (database versions not stated): 1000 Genomes Project 0.94089; 1000 Genomes Project 30x 0.94097; TOPMed 0.95047; gnomAD 0.95463 and 0.95688; gnomAD exomes 0.98995.

Submissions (2):

Illumina Laboratory Services, Illumina
Classification: Benign for Galactosylceramide beta-galactosidase deficiency. Last evaluated: 2018-01-13. Review status: criteria provided, single submitter. Criteria: ICSL Variant Classification Criteria 13 December 2019. Collection method: clinical testing. Allele origin: germline.
Comment: This variant was observed in the ICSL laboratory as part of a predisposition screen in an ostensibly healthy population. It had not been previously curated by ICSL or reported in the Human Gene Mutation Database (HGMD: prior to June 1st, 2018), and was therefore a candidate for classification through an automated scoring system. Utilizing variant allele frequency, disease prevalence and penetrance estimates, and inheritance mode, an automated score was calculated to assess if this variant is too frequent to cause the disease. Based on the score and internal cut-off values, a variant classified as benign is not then subjected to further curation. The score for this variant resulted in a classification of benign for this disease.

Breakthrough Genomics
Classification: Benign. Review status: criteria provided, single submitter. Criteria: ACMG Guidelines, 2015. Collection method: not provided. Allele origin: germline. Inheritance: Autosomal recessive inheritance. Affected: yes.

NM_000153.4(GALC):c.*989G>A

Gene: GALC (galactosylceramidase; minus strand). Cytogenetic location: 14q31.3.
Variant type: single nucleotide variant.
Coding change: c.*989G>A on transcript NM_000153.4 (MANE Select); 989 bases downstream of the stop codon, G replaced by A.
Molecular consequence: 3 prime UTR variant.
Genome position (GRCh38, 1-based): chr14:87,933,743, C>T on the plus strand (G>A on the coding strand, the complement: GALC is on the minus strand). VCF-style: chr14-87933743-C-T. GRCh37 (hg19) VCF-style: chr14-88400087-C-T.
Other names: c.*989G>A (NM_001201401.2, NM_001201402.2).
Identifiers: ClinVar variation 314734 (VCV000314734.6), dbSNP rs370559, ClinGen allele CA10646456.